The following is an entry in ClinVar:

ClinVar aggregate classification (germline): Uncertain significance. Review status: criteria provided, multiple submitters, no conflicts (2 of 4 stars). 2 submissions from 2 submitters: Uncertain significance (2). Last evaluated 2026-02-12.

gnomAD v4.1: 3 of 1,551,806 alleles (0.00019%); highest among the groups gnomAD compares: East Asian, 0.0024%; no homozygotes.

Submissions (2):

Dasa
Classification: Uncertain significance. Last evaluated: 2026-02-12. Review status: criteria provided, single submitter. Criteria: DASA Assertion Criteria. Collection method: clinical testing. Allele origin: germline.
Comment: NM_172070.4(UBR3):c.3265A>G (p.Ile1089Val) is a missense variant that results in the substitution of isoleucine with valine. This variant is rare in population databases. Computational prediction algorithms are consistent with a benign effect. The currently available literature and clinical evidence are not sufficient to establish a definitive association between this variant and the reported condition. Therefore, this variant is classified as a variant of uncertain significance.

Ambry Genetics
Classification: Uncertain significance. Last evaluated: 2024-11-24. Review status: criteria provided, single submitter. Criteria: Ambry Variant Classification Scheme 2023. Collection method: clinical testing. Allele origin: germline.

NM_172070.4(UBR3):c.3265A>G (p.Ile1089Val)

Gene: UBR3 (ubiquitin protein ligase E3 component n-recognin 3; plus strand). Cytogenetic location: 2q31.1.
Variant type: single nucleotide variant.
Coding change: c.3265A>G on transcript NM_172070.4 (MANE Select); coding-DNA position 3265, A replaced by G.
Protein change: p.Ile1089Val; replaces isoleucine 1089 with valine.
Molecular consequence: missense variant.
Genome position (GRCh38, 1-based): chr2:169,949,785, A>G. VCF-style: chr2-169949785-A-G. GRCh37 (hg19) VCF-style: chr2-170806295-A-G.
Other names: short protein forms I1089V.
Identifiers: ClinVar variation 3465355 (VCV003465355.3).